The following is an entry in ClinVar:

ClinVar aggregate classification (germline): Uncertain significance (1 of 4 stars; one submission).

Conditions:
Autosomal dominant nonsyndromic hearing loss 12. Also called: DEAFNESS, AUTOSOMAL DOMINANT 8. Identifiers: Orphanet 90635, MedGen C1832187, MONDO:0011102, OMIM 601543.
Autosomal recessive nonsyndromic hearing loss 21. Identifiers: Orphanet 90636, MedGen C1863655, MONDO:0011351, OMIM 603629.

gnomAD v4.1: 3 of 1,612,664 alleles (0.00019%); highest among the groups gnomAD compares: East Asian, 0.0067%; no homozygotes.

Submission:

Juno Genomics, Hangzhou Juno Genomics, Inc
Classification: Uncertain significance for Autosomal dominant nonsyndromic hearing loss 12; Autosomal recessive nonsyndromic hearing loss 21. Review status: criteria provided, single submitter. Criteria: ACMG Guidelines, 2015. Collection method: clinical testing. Allele origin: germline. Affected: yes.
Comment: Absent from controls (or at extremely low frequency if recessive) in Genome Aggregation Database, Exome Sequencing Project, 1000 Genomes Project, or Exome Aggregation Consortium.

NM_005422.4(TECTA):c.6359G>C (p.Ser2120Thr)

Genes: TECTA (tectorin alpha; plus strand), TBCEL-TECTA (TBCEL-TECTA readthrough; plus strand). Cytogenetic location: 11q23.3.
Variant type: single nucleotide variant.
Coding change: c.6359G>C on transcript NM_005422.4 (MANE Select); coding-DNA position 6359, G replaced by C.
Protein change: p.Ser2120Thr; replaces serine 2120 with threonine.
Molecular consequence: missense variant.
Genome position (GRCh38, 1-based): chr11:121,189,872, G>C. VCF-style: chr11-121189872-G-C. GRCh37 (hg19) VCF-style: chr11-121060581-G-C.
Other names: c.7301G>C, p.Ser2434Thr (NM_001378761.1); short protein forms S2120T, S2434T.
Identifiers: ClinVar variation 3381986 (VCV003381986.2).